The following is an entry in ClinVar:

ClinVar aggregate classification (germline): Uncertain significance. Review status: criteria provided, multiple submitters, no conflicts (2 of 4 stars). 2 submissions from 2 submitters: Uncertain significance (2). Last evaluated 2025-09-03.

Conditions:
Neurofibromatosis, type 1 (NF1). Also called: Peripheral type neurofibromatosis; NEUROFIBROMATOSIS, TYPE I, SOMATIC; VON RECKLINGHAUSEN DISEASE; Neurofibromatosis, type I. Identifiers: Orphanet 636, MedGen C0027831, MONDO:0018975, OMIM 162200. Disease mechanism: loss of function.

Submissions (2):

Labcorp Genetics (formerly Invitae), Labcorp
Classification: Uncertain significance for Neurofibromatosis, type 1. Last evaluated: 2025-09-03. Review status: criteria provided, single submitter. Criteria: Invitae Variant Classification Sherloc (09022015). Collection method: clinical testing. Allele origin: germline.
Comment: This sequence change replaces cysteine, which is neutral and slightly polar, with arginine, which is basic and polar, at codon 277 of the NF1 protein (p.Cys277Arg). This variant is not present in population databases (gnomAD no frequency). This variant has not been reported in the literature in individuals affected with NF1-related conditions. ClinVar contains an entry for this variant (Variation ID: 2747558). Invitae Evidence Modeling of protein sequence and biophysical properties (such as structural, functional, and spatial information, amino acid conservation, physicochemical variation, residue mobility, and thermodynamic stability) indicates that this missense variant is expected to disrupt NF1 protein function with a positive predictive value of 95%. In summary, the available evidence is currently insufficient to determine the role of this variant in disease. Therefore, it has been classified as a Variant of Uncertain Significance.

GeneDx
Classification: Uncertain significance. Last evaluated: 2024-02-06. Review status: criteria provided, single submitter. Criteria: GeneDx Variant Classification Process June 2021. Collection method: clinical testing. Allele origin: germline. Affected: yes.
Comment: Not observed at significant frequency in large population cohorts (gnomAD); In silico analysis supports that this missense variant has a deleterious effect on protein structure/function; Has not been previously published as pathogenic or benign to our knowledge

NM_001042492.3(NF1):c.829T>C (p.Cys277Arg)

Gene: NF1 (neurofibromin 1; plus strand). Cytogenetic location: 17q11.2.
Variant type: single nucleotide variant.
Coding change: c.829T>C on transcript NM_001042492.3 (MANE Select); coding-DNA position 829, T replaced by C.
Protein change: p.Cys277Arg; replaces cysteine 277 with arginine.
Molecular consequence: missense variant.
Genome position (GRCh38, 1-based): chr17:31,182,606, T>C. VCF-style: chr17-31182606-T-C. GRCh37 (hg19) VCF-style: chr17-29509624-T-C.
Other names: c.829T>C, p.Cys277Arg (NM_000267.4, NM_001128147.3); short protein forms C277R.
Identifiers: ClinVar variation 2747558 (VCV002747558.4), dbSNP rs2143786231, ClinGen allele CA398991026.